The following is an entry in ClinVar:

NM_001160372.4(TRAPPC9):c.3163G>A (p.Val1055Ile)

Gene: TRAPPC9 (trafficking protein particle complex subunit 9; minus strand). Cytogenetic location: 8q24.3.
Variant type: single nucleotide variant.
Coding change: c.3163G>A on transcript NM_001160372.4 (MANE Select); coding-DNA position 3163, G replaced by A.
Protein change: p.Val1055Ile; replaces valine 1055 with isoleucine.
Molecular consequence: missense variant. On other transcripts: non-coding transcript variant (1).
Genome position (GRCh38, 1-based): chr8:139,732,095, C>T on the plus strand (G>A on the coding strand, the complement: TRAPPC9 is on the minus strand). VCF-style: chr8-139732095-C-T. GRCh37 (hg19) VCF-style: chr8-140744338-C-T.
Other names: c.3136G>A, p.Val1046Ile (NM_001321646.2); c.3184G>A, p.Val1062Ile (NM_001374682.1); c.3052G>A, p.Val1018Ile (NM_001374683.1); c.3019G>A, p.Val1007Ile (NM_001374684.1); c.3163G>A, p.Val1055Ile (NM_031466.8); short protein forms V1153I, V1055I, V1046I, V1007I, V1018I, V1062I.
Identifiers: ClinVar variation 130617 (VCV000130617.26), dbSNP rs35578974, ClinGen allele CA155758.

ClinVar aggregate classification (germline): Benign/Likely benign. Review status: criteria provided, multiple submitters, no conflicts (2 of 4 stars). 5 submissions from 5 submitters: Benign (1); Likely benign (2). 2 of the submissions do not count toward it. Last evaluated 2026-02-03.

Conditions:
Intellectual disability-obesity-brain malformations-facial dysmorphism syndrome. Identifiers: Orphanet 352530, MedGen C4706414, MONDO:0018123.
Inborn genetic diseases. Identifiers: MedGen C0950123, MeSH D030342.

Allele frequency attached by ClinVar (database versions not stated): 1000 Genomes Project 0.00479; TOPMed 0.00493; 1000 Genomes Project 30x 0.00500; gnomAD 0.00512; ESP Exome Variant Server 0.00577.
gnomAD v4.1: 1,461 of 1,606,328 alleles (0.091%); highest among the groups gnomAD compares: African/African-American, 1.6%; 13 homozygotes.

Submissions (5):

Labcorp Genetics (formerly Invitae), Labcorp
Classification: Benign. Last evaluated: 2026-02-03. Review status: criteria provided, single submitter. Criteria: Invitae Variant Classification Sherloc (09022015). Collection method: clinical testing. Allele origin: germline.

GeneDx
Classification: Likely benign. Last evaluated: 2020-12-29. Review status: criteria provided, single submitter. Criteria: GeneDx Variant Classification Process June 2021. Collection method: clinical testing. Allele origin: germline. Affected: yes.

Ambry Genetics
Classification: Likely benign for Inborn genetic diseases. Last evaluated: 2019-07-26. Review status: criteria provided, single submitter. Criteria: Ambry Variant Classification Scheme 2023. Collection method: clinical testing. Allele origin: germline.

Centre de Biologie Pathologie Génétique, Centre Hospitalier Universitaire de Lille
Classification: Likely pathogenic for Intellectual disability-obesity-brain malformations-facial dysmorphism syndrome. Last evaluated: 2019-01-01. Review status: no assertion criteria provided. Collection method: clinical testing. Allele origin: unknown. Affected: yes. Not counted in ClinVar's aggregate classification.

Genetic Services Laboratory, University of Chicago
Classification: Likely benign for AllHighlyPenetrant. Review status: no assertion criteria provided. Collection method: clinical testing. Allele origin: germline. Inheritance: Autosomal recessive inheritance. Not counted in ClinVar's aggregate classification.
Comment: Likely benign based on allele frequency in 1000 Genomes Project or ESP global frequency and its presence in a patient with a rare or unrelated disease phenotype. NOT Sanger confirmed.